The following is an entry in ClinVar:

ClinVar aggregate classification (germline): Uncertain significance (1 of 4 stars; one submission).

Conditions:
Perlman syndrome (PRLMNS). Identifiers: Orphanet 2849, MedGen C0796113, MONDO:0009965, OMIM 267000.

Submission:

Labcorp Genetics (formerly Invitae), Labcorp
Classification: Uncertain significance for Perlman syndrome. Last evaluated: 2021-02-18. Review status: criteria provided, single submitter. Criteria: Invitae Variant Classification Sherloc (09022015). Collection method: clinical testing. Allele origin: germline.
Comment: This variant has not been reported in the literature in individuals with DIS3L2-related conditions. In summary, the available evidence is currently insufficient to determine the role of this variant in disease. Therefore, it has been classified as a Variant of Uncertain Significance. Algorithms developed to predict the effect of missense changes on protein structure and function are either unavailable or do not agree on the potential impact of this missense change (SIFT: "Deleterious"; PolyPhen-2: "Benign"; Align-GVGD: "Class C0"). This variant is not present in population databases (ExAC no frequency). This sequence change replaces arginine with leucine at codon 788 of the DIS3L2 protein (p.Arg788Leu). The arginine residue is moderately conserved and there is a moderate physicochemical difference between arginine and leucine.

NM_152383.5(DIS3L2):c.2363G>T (p.Arg788Leu)

Gene: DIS3L2 (DIS3 like 3'-5' exoribonuclease 2; plus strand). Cytogenetic location: 2q37.1.
Variant type: single nucleotide variant.
Coding change: c.2363G>T on transcript NM_152383.5 (MANE Select); coding-DNA position 2363, G replaced by T.
Protein change: p.Arg788Leu; replaces arginine 788 with leucine.
Molecular consequence: missense variant. On other transcripts: non-coding transcript variant (2), intron variant (1).
Genome position (GRCh38, 1-based): chr2:232,334,704, G>T. VCF-style: chr2-232334704-G-T. GRCh37 (hg19) VCF-style: chr2-233199414-G-T.
Other names: c.1582-8641G>T (NM_001257281.2); short protein forms R788L.
Identifiers: ClinVar variation 1468885 (VCV001468885.8), dbSNP rs370149214, ClinGen allele CA350978054.